The following is an entry in ClinVar:

NM_000138.5(FBN1):c.7825A>G (p.Asn2609Asp)

Gene: FBN1 (fibrillin 1; minus strand). Cytogenetic location: 15q21.1.
Variant type: single nucleotide variant.
Coding change: c.7825A>G on transcript NM_000138.5 (MANE Select); coding-DNA position 7825, A replaced by G.
Protein change: p.Asn2609Asp; replaces asparagine 2609 with aspartic acid.
Molecular consequence: missense variant.
Genome position (GRCh38, 1-based): chr15:48,415,762, T>C on the plus strand (A>G on the coding strand, the complement: FBN1 is on the minus strand). VCF-style: chr15-48415762-T-C. GRCh37 (hg19) VCF-style: chr15-48707959-T-C.
Other names: c.7825A>G, p.Asn2609Asp (NM_001406716.1); short protein forms N2609D.
Identifiers: ClinVar variation 3069737 (VCV003069737.1), dbSNP rs2505384563, ClinGen allele CA392323457.

ClinVar aggregate classification (germline): Uncertain significance (1 of 4 stars; one submission).

Conditions:
Marfan syndrome (MFS). Also called: MARFAN SYNDROME, TYPE I; Marfan syndrome type 1; Marfan's syndrome; Marfan syndrome, classic; FBN1-Related Marfan Syndrome. Identifiers: Orphanet 284963, Orphanet 558, MedGen C0024796, MONDO:0007947, OMIM 154700.

Submission:

All of Us Research Program, National Institutes of Health
Classification: Uncertain significance for Marfan syndrome. Last evaluated: 2023-03-04. Review status: criteria provided, single submitter. Criteria: ACMG Guidelines, 2015. Collection method: clinical testing. Allele origin: germline. Inheritance: Autosomal dominant inheritance. Observed: 1 variant allele, 1 heterozygote.
Comment: This study involves interpretation of variants in research participants for the purpose of population health screening. Participant phenotype was not available at the time of variant classification. Additional details can be found in publication PMID: 35346344, PMCID: PMC8962531